The following is an entry in ClinVar:

ClinVar aggregate classification (germline): Uncertain significance (1 of 4 stars; one submission).

Conditions:
Tuberous sclerosis syndrome (TSC). Also called: Tuberous Sclerosis Complex; Tuberous sclerosis. Identifiers: Orphanet 805, MedGen C0041341, MONDO:0001734.

Submission:

All of Us Research Program, National Institutes of Health
Classification: Uncertain significance for Tuberous sclerosis syndrome. Last evaluated: 2024-05-14. Review status: criteria provided, single submitter. Criteria: ACMG Guidelines, 2015. Collection method: clinical testing. Allele origin: germline. Inheritance: Autosomal dominant inheritance. Observed: 1 variant allele, 1 heterozygote.
Comment: This variant is an insertion of 30 nucleotides in exon 39 of the TSC2 gene and results in the replacement of serine at position 1684 with 11 amino acids (CysArgAlaGlyLysValGlyProGlyGlyAla). Splice site prediction tools predict that this variant may have a significant impact on RNA splicing. To our knowledge, protein and RNA functional studies have not been reported for this variant. This variant has not been reported in individuals affected with TSC2-related disorders in the literature. This variant has not been identified in the general population by the Genome Aggregation Database (gnomAD). The available evidence is insufficient to determine the role of this variant in disease conclusively. Therefore, this variant is classified as a Variant of Uncertain Significance.

This study involves interpretation of variants in research participants for the purpose of population health screening. Participant phenotype was not available at the time of variant classification. Additional details can be found in publication PMID: 35346344, PMCID: PMC8962531

NM_000548.5(TSC2):c.5050_5051insGCAGGGCAGGAAAGGTAGGGCCGGGTGGGG (p.Ser1684delinsCysArgAlaGlyLysValGlyProGlyGlyAla)

Gene: TSC2 (TSC complex subunit 2; plus strand). Cytogenetic location: 16p13.3.
Variant type: Insertion.
Coding change: c.5050_5051insGCAGGGCAGGAAAGGTAGGGCCGGGTGGGG on transcript NM_000548.5 (MANE Select); coding-DNA positions 5050 to 5051, GCAGGGCAGGAAAGGTAGGGCCGGGTGGGG inserted.
Protein change: p.Ser1684delinsCysArgAlaGlyLysValGlyProGlyGlyAla.
Molecular consequence: inframe indel. On other transcripts: non-coding transcript variant (5).
Genome position: GRCh38 VCF-style: chr16-2087923-T-TGCAGGGCAGGAAAGGTAGGGCCGGGTGGGG. GRCh37 (hg19) VCF-style: chr16-2137924-T-TGCAGGGCAGGAAAGGTAGGGCCGGGTGGGG.
Other names: c.3247_3248insGCAGGGCAGGAAAGGTAGGGCCGGGTGGGG, p.Ser1083delinsCysArgAlaGlyLysValGlyProGlyGlyAla (NM_001406698.1); c.4921_4922insGCAGGGCAGGAAAGGTAGGGCCGGGTGGGG, p.Ser1641delinsCysArgAlaGlyLysValGlyProGlyGlyAla (NM_021055.3, NM_001370405.1); c.3505_3506insGCAGGGCAGGAAAGGTAGGGCCGGGTGGGG, p.Ser1169delinsCysArgAlaGlyLysValGlyProGlyGlyAla (NM_001406696.1, NM_001406697.1, NM_001406695.1); c.4978_4979insGCAGGGCAGGAAAGGTAGGGCCGGGTGGGG, p.Ser1660delinsCysArgAlaGlyLysValGlyProGlyGlyAla (NM_001406664.1); c.4972_4973insGCAGGGCAGGAAAGGTAGGGCCGGGTGGGG, p.Ser1658delinsCysArgAlaGlyLysValGlyProGlyGlyAla (NM_001406665.1); c.4942_4943insGCAGGGCAGGAAAGGTAGGGCCGGGTGGGG, p.Ser1648delinsCysArgAlaGlyLysValGlyProGlyGlyAla (NM_001406667.1); c.4939_4940insGCAGGGCAGGAAAGGTAGGGCCGGGTGGGG, p.Ser1647delinsCysArgAlaGlyLysValGlyProGlyGlyAla (NM_001406668.1); c.4870_4871insGCAGGGCAGGAAAGGTAGGGCCGGGTGGGG, p.Ser1624delinsCysArgAlaGlyLysValGlyProGlyGlyAla (NM_001406670.1); and 26 more.
Identifiers: ClinVar variation 3386183 (VCV003386183.1).